The following is an entry in ClinVar:

ClinVar aggregate classification (germline): Uncertain significance (1 of 4 stars; one submission).

Conditions:
Ehlers-Danlos syndrome, classic type, 1 (EDSCL1). Also called: EDS I; EHLERS-DANLOS SYNDROME, GRAVIS TYPE; EHLERS-DANLOS SYNDROME, SEVERE CLASSIC TYPE; Ehlers-Danlos syndrome, type 1; Ehlers-Danlos Syndrome, Classic Type, COL5A1-Related. Identifiers: MedGen C0268335, MONDO:0019567, OMIM 130000.

Submission:

Labcorp Genetics (formerly Invitae), Labcorp
Classification: Uncertain significance for Ehlers-Danlos syndrome, classic type, 1. Last evaluated: 2023-03-18. Review status: criteria provided, single submitter. Criteria: Invitae Variant Classification Sherloc (09022015). Collection method: clinical testing. Allele origin: germline.
Comment: In summary, the available evidence is currently insufficient to determine the role of this variant in disease. Therefore, it has been classified as a Variant of Uncertain Significance. Advanced modeling of protein sequence and biophysical properties (such as structural, functional, and spatial information, amino acid conservation, physicochemical variation, residue mobility, and thermodynamic stability) performed at Invitae indicates that this missense variant is not expected to disrupt COL5A1 protein function. This variant has not been reported in the literature in individuals affected with COL5A1-related conditions. This variant is not present in population databases (gnomAD no frequency). This sequence change replaces serine, which is neutral and polar, with alanine, which is neutral and non-polar, at codon 1614 of the COL5A1 protein (p.Ser1614Ala).

NM_000093.5(COL5A1):c.4840T>G (p.Ser1614Ala)

Genes: COL5A1 (collagen type V alpha 1 chain; plus strand), LOC101448202 (uncharacterized LOC101448202; minus strand). Cytogenetic location: 9q34.3.
Variant type: single nucleotide variant.
Coding change: c.4840T>G on transcript NM_000093.5 (MANE Select); coding-DNA position 4840, T replaced by G.
Protein change: p.Ser1614Ala; replaces serine 1614 with alanine.
Molecular consequence: missense variant.
Genome position (GRCh38, 1-based): chr9:134,824,741, T>G. VCF-style: chr9-134824741-T-G. GRCh37 (hg19) VCF-style: chr9-137716587-T-G.
Other names: c.4840T>G, p.Ser1614Ala (NM_001278074.1); short protein forms S1614A.
Identifiers: ClinVar variation 2905199 (VCV002905199.3), dbSNP rs1301245606, ClinGen allele CA375458563.